The following is an entry in ClinVar:

NM_003611.3(OFD1):c.2648G>A (p.Arg883Gln)

Gene: OFD1 (OFD1 centriole and centriolar satellite protein; plus strand). Cytogenetic location: Xp22.2.
Variant type: single nucleotide variant.
Coding change: c.2648G>A on transcript NM_003611.3 (MANE Select); coding-DNA position 2648, G replaced by A.
Protein change: p.Arg883Gln; replaces arginine 883 with glutamine.
Molecular consequence: missense variant.
Genome position (GRCh38, 1-based): chrX:13,767,175, G>A. VCF-style: chrX-13767175-G-A. GRCh37 (hg19) VCF-style: chrX-13785294-G-A.
Other names: c.2528G>A, p.Arg843Gln (NM_001330209.2); c.2228G>A, p.Arg743Gln (NM_001330210.2); short protein forms R843Q, R883Q, R743Q.
Identifiers: ClinVar variation 2946507 (VCV002946507.3), dbSNP rs1602938330, ClinGen allele CA412311375.

ClinVar aggregate classification (germline): Uncertain significance (1 of 4 stars; one submission).

Conditions:
Joubert syndrome. Also called: CEREBELLOPARENCHYMAL DISORDER IV; JOUBERT-BOLTSHAUSER SYNDROME; Familial aplasia of the vermis. Identifiers: Orphanet 475, MedGen C5979921, MONDO:0018772.
Orofaciodigital syndrome I (OFD1). Also called: OFDS I; Papillon-Leage and Psaume Syndrome; Oral-Facial-Digital Syndrome Type I. Identifiers: Orphanet 2750, MedGen C1510460, MONDO:0010702, OMIM 311200.

Allele frequency attached by ClinVar (database versions not stated): gnomAD exomes below 0.00001.
gnomAD v4.1: 4 of 1,209,838 alleles (0.00033%); highest among the groups gnomAD compares: Non-Finnish European, 0.00045%; no homozygotes.

Submission:

Labcorp Genetics (formerly Invitae), Labcorp
Classification: Uncertain significance for Orofaciodigital syndrome I; Joubert syndrome. Last evaluated: 2025-01-15. Review status: criteria provided, single submitter. Criteria: Invitae Variant Classification Sherloc (09022015). Collection method: clinical testing. Allele origin: germline.
Comment: This sequence change replaces arginine, which is basic and polar, with glutamine, which is neutral and polar, at codon 883 of the OFD1 protein (p.Arg883Gln). This variant is not present in population databases (gnomAD no frequency). This variant has not been reported in the literature in individuals affected with OFD1-related conditions. ClinVar contains an entry for this variant (Variation ID: 2946507). Invitae Evidence Modeling of protein sequence and biophysical properties (such as structural, functional, and spatial information, amino acid conservation, physicochemical variation, residue mobility, and thermodynamic stability) indicates that this missense variant is not expected to disrupt OFD1 protein function with a negative predictive value of 80%. In summary, the available evidence is currently insufficient to determine the role of this variant in disease. Therefore, it has been classified as a Variant of Uncertain Significance.